The following is an entry in ClinVar:

NM_001286611.2(REPS1):c.393C>T (p.Pro131=)

Gene: REPS1 (RALBP1 associated Eps domain containing 1; minus strand). Cytogenetic location: 6q24.1.
Variant type: single nucleotide variant.
Coding change: c.393C>T on transcript NM_001286611.2 (MANE Select); coding-DNA position 393, C replaced by T.
Protein change: p.Pro131=; no amino-acid change (proline 131 retained).
Molecular consequence: synonymous variant.
Genome position (GRCh38, 1-based): chr6:138,945,582, G>A on the plus strand (C>T on the coding strand, the complement: REPS1 is on the minus strand). VCF-style: chr6-138945582-G-A. GRCh37 (hg19) VCF-style: chr6-139266719-G-A.
Other names: c.393C>T, p.Pro131= (NM_001128617.3, NM_001286612.2, NM_031922.5).
Identifiers: ClinVar variation 3025105 (VCV003025105.24), dbSNP rs368324679, ClinGen allele CA4024468.

ClinVar aggregate classification (germline): Likely benign. Review status: criteria provided, multiple submitters, no conflicts (2 of 4 stars). 2 submissions from 2 submitters: Likely benign (2). Last evaluated 2025-08-04.

Allele frequency attached by ClinVar (database versions not stated): TOPMed 0.00005; ExAC 0.00006; gnomAD 0.00007; ESP Exome Variant Server 0.00008.
gnomAD v4.1: 97 of 1,613,550 alleles (0.006%); highest among the groups gnomAD compares: Non-Finnish European, 0.0079%; no homozygotes.

Submissions (2):

Labcorp Genetics (formerly Invitae), Labcorp
Classification: Likely benign. Last evaluated: 2025-08-04. Review status: criteria provided, single submitter. Criteria: Invitae Variant Classification Sherloc (09022015). Collection method: clinical testing. Allele origin: germline.

CeGaT Center for Human Genetics Tuebingen
Classification: Likely benign. Last evaluated: 2024-01-01. Review status: criteria provided, single submitter. Criteria: CeGaT Center For Human Genetics Tuebingen Variant Classification Criteria Version 2. Collection method: clinical testing. Allele origin: germline. Affected: yes. Observed: 1 variant allele.
Comment: REPS1: BP4, BP7